The following is an entry in ClinVar:

ClinVar aggregate classification (germline): Benign (1 of 4 stars; one submission).

Conditions:
Landau-Kleffner syndrome (FESD). Also called: APHASIA, ACQUIRED, WITH EPILEPSY; EPILEPSY, FOCAL, WITH SPEECH DISORDER AND WITH OR WITHOUT MENTAL RETARDATION. Identifiers: Orphanet 1945, Orphanet 725, Orphanet 98818, MedGen C0282512, MONDO:0009509, OMIM 245570.

Allele frequency attached by ClinVar (database versions not stated): gnomAD 0.00039 and below 0.00001; gnomAD exomes 0.00024; TOPMed 0.00010; 1000 Genomes Project 0.00200; 1000 Genomes Project 30x 0.00265.
gnomAD v4.1: 73 of 210,892 alleles (0.035%); highest among the groups gnomAD compares: South Asian, 1.3%; no homozygotes.

Submission:

Illumina Laboratory Services, Illumina
Classification: Benign for Landau-Kleffner syndrome. Last evaluated: 2018-01-12. Review status: criteria provided, single submitter. Criteria: ICSL Variant Classification Criteria 13 December 2019. Collection method: clinical testing. Allele origin: germline.
Comment: This variant was observed in the ICSL laboratory as part of a predisposition screen in an ostensibly healthy population. It had not been previously curated by ICSL or reported in the Human Gene Mutation Database (HGMD: prior to June 1st, 2018), and was therefore a candidate for classification through an automated scoring system. Utilizing variant allele frequency, disease prevalence and penetrance estimates, and inheritance mode, an automated score was calculated to assess if this variant is too frequent to cause the disease. Based on the score and internal cut-off values, a variant classified as benign is not then subjected to further curation. The score for this variant resulted in a classification of benign for this disease.

NM_001134407.3(GRIN2A):c.*8714T>C

Gene: GRIN2A (glutamate ionotropic receptor NMDA type subunit 2A; minus strand). Cytogenetic location: 16p13.2.
Variant type: single nucleotide variant.
Coding change: c.*8714T>C on transcript NM_001134407.3 (MANE Select); 8714 bases downstream of the stop codon, T replaced by C.
Molecular consequence: 3 prime UTR variant.
Genome position (GRCh38, 1-based): chr16:9,754,435, A>G on the plus strand (T>C on the coding strand, the complement: GRIN2A is on the minus strand). VCF-style: chr16-9754435-A-G. GRCh37 (hg19) VCF-style: chr16-9848292-A-G.
Other names: c.*8714T>C (NM_000833.5); c.*8920T>C (NM_001134408.2).
Identifiers: ClinVar variation 885860 (VCV000885860.4), dbSNP rs571467101, ClinGen allele CA277527395.
Genomic context (GRCh38, chr16:9,754,435, plus strand): 5'-AAGCAGTTTTCTGAATTTTCTATGAAAATGTTATTCTTGAACTTATATCTTAAGTAGGCA[A>G]TTAGCATCCCTTCCCAGTGAAAAATTTGGGGAACATGAATGTTAAAAGTTCCACTTTCAT-3'